The following is an entry in ClinVar:

ClinVar aggregate classification (germline): Uncertain significance (1 of 4 stars; one submission).

Conditions:
Charcot-Marie-Tooth disease type 2. Also called: Charcot-Marie-Tooth type 2. Identifiers: Orphanet 64746, MedGen C0270914, MONDO:0018993.

Allele frequency attached by ClinVar (database versions not stated): TOPMed 0.00001.

Submission:

Labcorp Genetics (formerly Invitae), Labcorp
Classification: Uncertain significance for Charcot-Marie-Tooth disease type 2. Last evaluated: 2024-05-21. Review status: criteria provided, single submitter. Criteria: Invitae Variant Classification Sherloc (09022015). Collection method: clinical testing. Allele origin: germline.
Comment: This sequence change replaces valine, which is neutral and non-polar, with glutamic acid, which is acidic and polar, at codon 273 of the MFN2 protein (p.Val273Glu). This variant is not present in population databases (gnomAD no frequency). This variant has not been reported in the literature in individuals affected with MFN2-related conditions. ClinVar contains an entry for this variant (Variation ID: 1010391). An algorithm developed to predict the effect of missense changes on protein structure and function (PolyPhen-2) suggests that this variant is likely to be disruptive. In summary, the available evidence is currently insufficient to determine the role of this variant in disease. Therefore, it has been classified as a Variant of Uncertain Significance.

NM_014874.4(MFN2):c.818T>A (p.Val273Glu)

Gene: MFN2 (mitofusin 2; plus strand). Cytogenetic location: 1p36.22.
Variant type: single nucleotide variant.
Coding change: c.818T>A on transcript NM_014874.4 (MANE Select); coding-DNA position 818, T replaced by A.
Protein change: p.Val273Glu; replaces valine 273 with glutamic acid.
Molecular consequence: missense variant.
Genome position (GRCh38, 1-based): chr1:12,001,402, T>A. VCF-style: chr1-12001402-T-A. GRCh37 (hg19) VCF-style: chr1-12061459-T-A.
Other names: c.818T>A, p.Val273Glu (NM_001127660.2); short protein forms V273E.
Identifiers: ClinVar variation 1010391 (VCV001010391.9), dbSNP rs1458700065, ClinGen allele CA338441382.